The following is an entry in ClinVar:

NM_006096.4(NDRG1):c.373G>A (p.Val125Ile)

Gene: NDRG1 (N-myc downstream regulated 1; minus strand). Cytogenetic location: 8q24.22.
Variant type: single nucleotide variant.
Coding change: c.373G>A on transcript NM_006096.4 (MANE Select); coding-DNA position 373, G replaced by A.
Protein change: p.Val125Ile; replaces valine 125 with isoleucine.
Molecular consequence: missense variant.
Genome position (GRCh38, 1-based): chr8:133,259,184, C>T on the plus strand (G>A on the coding strand, the complement: NDRG1 is on the minus strand). VCF-style: chr8-133259184-C-T. GRCh37 (hg19) VCF-style: chr8-134271427-C-T.
Other names: c.373G>A, p.Val125Ile (NM_001135242.2, NM_001374844.1, NM_001374845.1 and 1 more transcripts); c.175G>A, p.Val59Ile (NM_001258432.2, NM_001374847.1); c.130G>A, p.Val44Ile (NM_001258433.2); short protein forms V125I, V44I, V59I.
Identifiers: ClinVar variation 362037 (VCV000362037.14), dbSNP rs200593999, ClinGen allele CA4886785.
Genomic context (GRCh38, chr8:133,259,184, plus strand): 5'-AGGCTTCTCTGCAGACAGAGAAGGAGCTGATCCTTCGCTCTTACCCAAACTGTTGAAGGA[C>T]TCCAGGAAGCATTTCAGCCAGCTGATCCATGGAGGGGTACATGTACCTGGGGATGACACA-3'
Protein context (NP_006087.2, residues 115-135): MDQLAEMLPG[Val125Ile]LQQFGLKSII

ClinVar aggregate classification (germline): Uncertain significance. Review status: criteria provided, multiple submitters, no conflicts (2 of 4 stars). 5 submissions from 5 submitters: Uncertain significance (4). 1 of the submissions does not count toward it. Last evaluated 2025-08-12.

Conditions:
Inborn genetic diseases. Identifiers: MedGen C0950123, MeSH D030342.
Charcot-Marie-Tooth disease type 4. Also called: Charcot-Marie-Tooth, Type 4; Charcot-Marie-Tooth disease, type IV. Identifiers: Orphanet 64749, MedGen C4082197, MONDO:0018995.
Charcot-Marie-Tooth disease type 4D. Also called: CHARCOT-MARIE-TOOTH DISEASE, DEMYELINATING, AUTOSOMAL RECESSIVE, TYPE 4D; NEUROPATHY, HEREDITARY MOTOR AND SENSORY, LOM TYPE; Charcot-Marie-Tooth Neuropathy Type 4D; CHARCOT-MARIE-TOOTH DISEASE, DEMYELINATING, TYPE 4D. Identifiers: Orphanet 99950, MedGen C1832334, MONDO:0011085, OMIM 601455.

Allele frequency attached by ClinVar (database versions not stated): ExAC 0.00002; gnomAD exomes 0.00002 and 0.00004; gnomAD 0.00003 and 0.00004; TOPMed 0.00005; 1000 Genomes Project 30x 0.00016; 1000 Genomes Project 0.00020.
gnomAD v4.1: 35 of 1,614,252 alleles (0.0022%); highest among the groups gnomAD compares: East Asian, 0.062%; no homozygotes.

Submissions (5):

Ambry Genetics
Classification: Uncertain significance for Inborn genetic diseases. Last evaluated: 2025-08-12. Review status: criteria provided, single submitter. Criteria: Ambry Variant Classification Scheme 2023. Collection method: clinical testing. Allele origin: germline.

GeneDx
Classification: Uncertain significance. Last evaluated: 2022-02-08. Review status: criteria provided, single submitter. Criteria: GeneDx Variant Classification Process June 2021. Collection method: clinical testing. Allele origin: germline. Affected: yes.
Comment: In silico analysis supports that this missense variant does not alter protein structure/function; Has not been previously published as pathogenic or benign to our knowledge

Labcorp Genetics (formerly Invitae), Labcorp
Classification: Uncertain significance for Charcot-Marie-Tooth disease type 4. Last evaluated: 2021-08-24. Review status: criteria provided, single submitter. Criteria: Invitae Variant Classification Sherloc (09022015). Collection method: clinical testing. Allele origin: germline.
Comment: This sequence change replaces valine with isoleucine at codon 125 of the NDRG1 protein (p.Val125Ile). The valine residue is moderately conserved and there is a small physicochemical difference between valine and isoleucine. This variant is present in population databases (rs200593999, ExAC 0.02%). This variant has not been reported in the literature in individuals affected with NDRG1-related conditions. ClinVar contains an entry for this variant (Variation ID: 362037). Algorithms developed to predict the effect of missense changes on protein structure and function output the following: SIFT: "Tolerated"; PolyPhen-2: "Benign"; Align-GVGD: "Class C0". The isoleucine amino acid residue is found in multiple mammalian species, which suggests that this missense change does not adversely affect protein function. In summary, the available evidence is currently insufficient to determine the role of this variant in disease. Therefore, it has been classified as a Variant of Uncertain Significance.

Illumina Laboratory Services, Illumina
Classification: Uncertain significance for Charcot-Marie-Tooth disease type 4D. Last evaluated: 2018-01-12. Review status: criteria provided, single submitter. Criteria: ICSL Variant Classification Criteria 13 December 2019. Collection method: clinical testing. Allele origin: germline.

Natera, Inc.
Classification: Uncertain significance for Charcot-Marie-Tooth disease type 4D. Last evaluated: 2020-10-20. Review status: no assertion criteria provided. Collection method: clinical testing. Allele origin: germline. Not counted in ClinVar's aggregate classification.